The following is an entry in ClinVar:

NM_006005.3(WFS1):c.1125C>T (p.Arg375=)

Gene: WFS1 (wolframin ER transmembrane glycoprotein; plus strand). Cytogenetic location: 4p16.1.
Variant type: single nucleotide variant.
Coding change: c.1125C>T on transcript NM_006005.3 (MANE Select); coding-DNA position 1125, C replaced by T.
Protein change: p.Arg375=; no amino-acid change (arginine 375 retained).
Molecular consequence: synonymous variant.
Genome position (GRCh38, 1-based): chr4:6,300,920, C>T. VCF-style: chr4-6300920-C-T. GRCh37 (hg19) VCF-style: chr4-6302647-C-T.
Other names: c.1125C>T, p.Arg375= (NM_001145853.1).
Identifiers: ClinVar variation 745707 (VCV000745707.10), dbSNP rs778100722, ClinGen allele CA2839226.
Genomic context (GRCh38, chr4:6,300,920, plus strand): 5'-CTCCATGGTGATCTGCACCCTCAAGGTGTTCCAGGACAGCAAGGCCTGGGAGAACTTCCG[C>T]ACCCTCACCGACCTGCTGCTGCGCTTCGAGCCCAACCTGGATGTGGAGCAGGCCGAGGTC-3'
Protein context (NP_005996.2, residues 365-385): FQDSKAWENF[Arg375=]TLTDLLLRFE

ClinVar aggregate classification (germline): Benign/Likely benign. Review status: criteria provided, multiple submitters, no conflicts (2 of 4 stars). 3 submissions from 3 submitters: Benign (1); Likely benign (2). Last evaluated 2021-11-06.

Conditions:
Wolfram syndrome 1 (WFS1). Identifiers: Orphanet 3463, MedGen C4551693, MONDO:0009101, OMIM 222300.

Allele frequency attached by ClinVar (database versions not stated): gnomAD exomes 0.00001 and 0.00005; TOPMed 0.00001; ExAC 0.00002; gnomAD 0.00003.
gnomAD v4.1: 78 of 1,614,086 alleles (0.0048%); highest among the groups gnomAD compares: Non-Finnish European, 0.0065%; no homozygotes.

Submissions (3):

Labcorp Genetics (formerly Invitae), Labcorp
Classification: Likely benign. Last evaluated: 2021-11-06. Review status: criteria provided, single submitter. Criteria: Invitae Variant Classification Sherloc (09022015). Collection method: clinical testing. Allele origin: germline.

Blueprint Genetics
Classification: Likely benign. Last evaluated: 2021-11-05. Review status: criteria provided, single submitter. Criteria: ACMG Guidelines, 2015. Collection method: clinical testing. Allele origin: germline.

Clinical Genomics, Uppaluri K&H Personalized Medicine Clinic
Classification: Benign for Wolfram syndrome 1. Review status: criteria provided, single submitter. Criteria: K & H Uppaluri Personalized Medicine Clinic Variant Classification & Assertion Criteria_Updated V.1. Collection method: research. Allele origin: unknown. Inheritance: Autosomal recessive inheritance.
Comment: Potent mutations in WFS1 gene are associated with Wolfram's syndrome, an autosomal recessive condition, which cause diabetes mellitus, diabetes insipidus, deafness and optic atrophy.However no sufficient evidence is found to ascertain the role of this particular variant rs778100722 in Wolfram's syndrome yet.

Literature cited by the submitters: PubMed 20738327 (cited by Clinical Genomics, Uppaluri K&H Personalized Medicine Clinic); PubMed 33879153 (cited by Clinical Genomics, Uppaluri K&H Personalized Medicine Clinic); PubMed 12955714 (cited by Clinical Genomics, Uppaluri K&H Personalized Medicine Clinic); PubMed 18060660 (cited by Clinical Genomics, Uppaluri K&H Personalized Medicine Clinic); PubMed 20301750 (cited by Clinical Genomics, Uppaluri K&H Personalized Medicine Clinic); PubMed 17603484 (cited by Clinical Genomics, Uppaluri K&H Personalized Medicine Clinic).